The following is an entry in ClinVar:

ClinVar aggregate classification (germline): Uncertain significance. Review status: criteria provided, multiple submitters, no conflicts (2 of 4 stars). 2 submissions from 2 submitters: Uncertain significance (2). Last evaluated 2024-11-08.

Conditions:
Hereditary cancer-predisposing syndrome. Also called: Tumor predisposition; Hereditary Cancer Syndrome; Hereditary neoplastic syndrome; Neoplastic Syndromes, Hereditary. Identifiers: Orphanet 140162, MedGen C0027672, MeSH D009386, MONDO:0015356.
POLD1-related polyposis and colorectal cancer syndrome (CRCS10). Also called: Colorectal cancer 10; COLORECTAL CANCER, SUSCEPTIBILITY TO, ON CHROMOSOME 19q; Colorectal cancer, susceptibility to, 10. Identifiers: Orphanet 220460, MedGen C2675481, MONDO:0012953, OMIM 612591.

Submissions (2):

Ambry Genetics
Classification: Uncertain significance for Hereditary cancer-predisposing syndrome. Last evaluated: 2024-11-08. Review status: criteria provided, single submitter. Criteria: Ambry Variant Classification Scheme 2023. Collection method: clinical testing. Allele origin: germline.
Comment: The p.E830V variant (also known as c.2489A>T), located in coding exon 19 of the POLD1 gene, results from an A to T substitution at nucleotide position 2489. The glutamic acid at codon 830 is replaced by valine, an amino acid with dissimilar properties. This amino acid position is highly conserved in available vertebrate species. In addition, the in silico prediction for this alteration is inconclusive. Based on the available evidence, the clinical significance of this variant remains unclear.

Labcorp Genetics (formerly Invitae), Labcorp
Classification: Uncertain significance for POLD1-related polyposis and colorectal cancer syndrome. Last evaluated: 2023-01-24. Review status: criteria provided, single submitter. Criteria: Invitae Variant Classification Sherloc (09022015). Collection method: clinical testing. Allele origin: germline.
Comment: This variant is not present in population databases (gnomAD no frequency). In summary, the available evidence is currently insufficient to determine the role of this variant in disease. Therefore, it has been classified as a Variant of Uncertain Significance. Advanced modeling of protein sequence and biophysical properties (such as structural, functional, and spatial information, amino acid conservation, physicochemical variation, residue mobility, and thermodynamic stability) performed at Invitae indicates that this missense variant is not expected to disrupt POLD1 protein function. ClinVar contains an entry for this variant (Variation ID: 1025261). This variant has not been reported in the literature in individuals affected with POLD1-related conditions. This sequence change replaces glutamic acid, which is acidic and polar, with valine, which is neutral and non-polar, at codon 830 of the POLD1 protein (p.Glu830Val).

NM_002691.4(POLD1):c.2489A>T (p.Glu830Val)

Gene: POLD1 (DNA polymerase delta 1, catalytic subunit; plus strand). Cytogenetic location: 19q13.33.
Variant type: single nucleotide variant.
Coding change: c.2489A>T on transcript NM_002691.4 (MANE Select); coding-DNA position 2489, A replaced by T.
Protein change: p.Glu830Val; replaces glutamic acid 830 with valine.
Molecular consequence: missense variant. On other transcripts: non-coding transcript variant (1).
Genome position (GRCh38, 1-based): chr19:50,414,915, A>T. VCF-style: chr19-50414915-A-T. GRCh37 (hg19) VCF-style: chr19-50918172-A-T.
Other names: c.2489A>T, p.Glu830Val (NM_001256849.1); c.2567A>T, p.Glu856Val (NM_001308632.1); c.2489A>T (NM_002691.2); short protein forms E830V, E856V.
Identifiers: ClinVar variation 1025261 (VCV001025261.7), dbSNP rs2039219801, ClinGen allele CA406985106.
Genomic context (GRCh38, chr19:50,414,915, plus strand): 5'-CGGGCCTGCTCTTCTCCTCCCGGCCCGACGCCCACGACCGCATGGACTGCAAGGGCCTGG[A>T]GGCCGTGCGCAGGGACAACTGCCCCCTCGTGGCCAACCTGGTCACTGCCTCACTGCGCCG-3'
Protein context (NP_002682.2, residues 820-840): AHDRMDCKGL[Glu830Val]AVRRDNCPLV